The following is an entry in ClinVar:

NM_005188.4(CBL):c.156C>A (p.Asp52Glu)

Genes: CBL (Cbl proto-oncogene; plus strand), LOC130006895 (ATAC-STARR-seq lymphoblastoid silent region 3975; plus strand). Cytogenetic location: 11q23.3.
Variant type: single nucleotide variant.
Coding change: c.156C>A on transcript NM_005188.4 (MANE Select); coding-DNA position 156, C replaced by A.
Protein change: p.Asp52Glu; replaces aspartic acid 52 with glutamic acid.
Molecular consequence: missense variant.
Genome position (GRCh38, 1-based): chr11:119,206,573, C>A. VCF-style: chr11-119206573-C-A. GRCh37 (hg19) VCF-style: chr11-119077283-C-A.
Other names: c.156C>A (NM_005188.2); short protein forms D52E.
Identifiers: ClinVar variation 1496821 (VCV001496821.9), dbSNP rs2135244248, ClinGen allele CA382976452.

ClinVar aggregate classification (germline): Uncertain significance. Review status: criteria provided, multiple submitters, no conflicts (2 of 4 stars). 2 submissions from 2 submitters: Uncertain significance (2). Last evaluated 2026-07-27.

Conditions:
Cardiovascular phenotype. Identifiers: MedGen CN230736.
RASopathy. Also called: rasopathies; Noonan spectrum disorder. Identifiers: Orphanet 536391, MedGen C5555857, MONDO:0021060.

Submissions (2):

Ambry Genetics
Classification: Uncertain significance for Cardiovascular phenotype. Last evaluated: 2026-07-27. Review status: criteria provided, single submitter. Criteria: Ambry Variant Classification Scheme 2023. Collection method: clinical testing. Allele origin: germline.
Comment: The p.D52E variant (also known as c.156C>A), located in coding exon 1 of the CBL gene, results from a C to A substitution at nucleotide position 156. The aspartic acid at codon 52 is replaced by glutamic acid, an amino acid with highly similar properties. This amino acid position is conserved. In addition, the in silico prediction for this alteration is inconclusive. Based on the available evidence, the clinical significance of this variant remains unclear.

Labcorp Genetics (formerly Invitae), Labcorp
Classification: Uncertain significance for RASopathy. Last evaluated: 2022-07-06. Review status: criteria provided, single submitter. Criteria: Invitae Variant Classification Sherloc (09022015). Collection method: clinical testing. Allele origin: germline.
Comment: This variant is not present in population databases (gnomAD no frequency). This sequence change replaces aspartic acid, which is acidic and polar, with glutamic acid, which is acidic and polar, at codon 52 of the CBL protein (p.Asp52Glu). This variant has not been reported in the literature in individuals affected with CBL-related conditions. ClinVar contains an entry for this variant (Variation ID: 1496821). Algorithms developed to predict the effect of missense changes on protein structure and function are either unavailable or do not agree on the potential impact of this missense change (SIFT: "Deleterious"; PolyPhen-2: "Benign"; Align-GVGD: "Class C0"). In summary, the available evidence is currently insufficient to determine the role of this variant in disease. Therefore, it has been classified as a Variant of Uncertain Significance.